The following is an entry in ClinVar:

ClinVar aggregate classification (germline): Uncertain significance. Review status: criteria provided, multiple submitters, no conflicts (2 of 4 stars). 5 submissions from 5 submitters: Uncertain significance (4). 1 of the submissions does not count toward it. Last evaluated 2024-11-11.

Conditions:
PCNT-related disorder. Also called: PCNT-related condition.
Microcephalic osteodysplastic primordial dwarfism type II (MOPD2). Also called: Microcephalic osteodysplastic primordial dwarfism with tooth abnormalities; MOPD II; OSTEODYSPLASTIC PRIMORDIAL DWARFISM, TYPE II. Identifiers: Orphanet 2637, MedGen C0432246, MONDO:0008872, OMIM 210720.

Allele frequency attached by ClinVar (database versions not stated): gnomAD exomes 0.00028 and 0.00033; gnomAD 0.00032; ESP Exome Variant Server 0.00054; ExAC 0.00073; TOPMed 0.00156.
gnomAD v4.1: 492 of 1,596,248 alleles (0.031%); highest among the groups gnomAD compares: Non-Finnish European, 0.031%; 4 homozygotes.

Submissions (5):

Labcorp Genetics (formerly Invitae), Labcorp
Classification: Uncertain significance. Last evaluated: 2024-11-11. Review status: criteria provided, single submitter. Criteria: Invitae Variant Classification Sherloc (09022015). Collection method: clinical testing. Allele origin: germline.
Comment: This sequence change replaces arginine, which is basic and polar, with glutamine, which is neutral and polar, at codon 1370 of the PCNT protein (p.Arg1370Gln). This variant is present in population databases (rs145055342, gnomAD 0.1%). This variant has not been reported in the literature in individuals affected with PCNT-related conditions. ClinVar contains an entry for this variant (Variation ID: 195605). An algorithm developed to predict the effect of missense changes on protein structure and function outputs the following: PolyPhen-2: "Benign". The glutamine amino acid residue is found in multiple mammalian species, which suggests that this missense change does not adversely affect protein function. In summary, the available evidence is currently insufficient to determine the role of this variant in disease. Therefore, it has been classified as a Variant of Uncertain Significance.

Revvity Omics, Revvity
Classification: Uncertain significance for Microcephalic osteodysplastic primordial dwarfism type II. Last evaluated: 2020-06-19. Review status: criteria provided, single submitter. Criteria: ACMG Guidelines, 2015. Collection method: clinical testing. Allele origin: germline.

Fulgent Genetics
Classification: Uncertain significance for Microcephalic osteodysplastic primordial dwarfism type II. Last evaluated: 2018-10-31. Review status: criteria provided, single submitter. Criteria: ACMG Guidelines, 2015. Collection method: clinical testing. Allele origin: unknown.

Eurofins Ntd Llc (ga)
Classification: Uncertain significance. Last evaluated: 2015-04-22. Review status: criteria provided, single submitter. Criteria: EGL Classification Definitions 2015. Collection method: clinical testing. Allele origin: germline. Observed: 1 variant allele, 1 heterozygote.

PreventionGenetics, part of Exact Sciences
Classification: Uncertain significance for PCNT-related condition. Last evaluated: 2024-04-24. Review status: no assertion criteria provided. Collection method: clinical testing. Allele origin: germline. Not counted in ClinVar's aggregate classification.
Comment: The PCNT c.4109G>A variant is predicted to result in the amino acid substitution p.Arg1370Gln. To our knowledge, this variant has not been reported in individuals with PCNT-associated disorders in the literature. This variant is reported in 0.11% of alleles in individuals of European (Finnish) descent in gnomAD, which may be too common to be an undocumented primary cause of disease. Although we suspect this variant may be benign, at this time, its clinical significance is uncertain due to the absence of conclusive functional and genetic evidence.

NM_006031.6(PCNT):c.4109G>A (p.Arg1370Gln)

Gene: PCNT (pericentrin; plus strand). Cytogenetic location: 21q22.3.
Variant type: single nucleotide variant.
Coding change: c.4109G>A on transcript NM_006031.6 (MANE Select); coding-DNA position 4109, G replaced by A.
Protein change: p.Arg1370Gln; replaces arginine 1370 with glutamine.
Molecular consequence: missense variant.
Genome position (GRCh38, 1-based): chr21:46,391,269, G>A. VCF-style: chr21-46391269-G-A. GRCh37 (hg19) VCF-style: chr21-47811184-G-A.
Other names: c.4109G>A (NM_006031.5); c.3755G>A, p.Arg1252Gln (NM_001315529.2); short protein forms R1370Q, R1252Q.
Identifiers: ClinVar variation 195605 (VCV000195605.15), dbSNP rs145055342, ClinGen allele CA242080.